The following is an entry in ClinVar:

ClinVar aggregate classification (germline): Uncertain significance (1 of 4 stars; one submission).

Conditions:
Fanconi anemia complementation group O. Also called: RAD51C-Related Fanconi Anemia. Identifiers: Orphanet 84, MedGen C3150653, MONDO:0013248, OMIM 613390.

Submission:

Labcorp Genetics (formerly Invitae), Labcorp
Classification: Uncertain significance for Fanconi anemia complementation group O. Last evaluated: 2025-06-01. Review status: criteria provided, single submitter. Criteria: Invitae Variant Classification Sherloc (09022015). Collection method: clinical testing. Allele origin: germline.
Comment: This sequence change replaces lysine, which is basic and polar, with arginine, which is basic and polar, at codon 26 of the RAD51C protein (p.Lys26Arg). This variant is not present in population databases (gnomAD no frequency). This variant has not been reported in the literature in individuals affected with RAD51C-related conditions. Invitae Evidence Modeling of protein sequence and biophysical properties (such as structural, functional, and spatial information, amino acid conservation, physicochemical variation, residue mobility, and thermodynamic stability) indicates that this missense variant is not expected to disrupt RAD51C protein function with a negative predictive value of 80%. Algorithms developed to predict the effect of sequence changes on RNA splicing suggest that this variant may disrupt the consensus splice site. In summary, the available evidence is currently insufficient to determine the role of this variant in disease. Therefore, it has been classified as a Variant of Uncertain Significance.

NM_058216.3(RAD51C):c.77A>G (p.Lys26Arg)

Gene: RAD51C (RAD51 paralog C; plus strand). Cytogenetic location: 17q22.
Variant type: single nucleotide variant.
Coding change: c.77A>G on transcript NM_058216.3 (MANE Select); coding-DNA position 77, A replaced by G.
Protein change: p.Lys26Arg; replaces lysine 26 with arginine.
Molecular consequence: missense variant. On other transcripts: non-coding transcript variant (1).
Genome position (GRCh38, 1-based): chr17:58,692,720, A>G. VCF-style: chr17-58692720-A-G. GRCh37 (hg19) VCF-style: chr17-56770081-A-G.
Other names: c.77A>G, p.Lys26Arg (NM_002876.4); short protein forms K26R.
Identifiers: ClinVar variation 4739783 (VCV004739783.1).
Genomic context (GRCh38, chr17:58,692,720, plus strand): 5'-TCCGCTTTGAAATGCAGCGGGATTTGGTGAGTTTCCCGCTGTCTCCAGCGGTGCGGGTGA[A>G]GCTGGTGTCTGCGGGGTTCCAGACTGCTGAGGAACTCCTAGAGGTGAAACCCTCCGAGCT-3'
Protein context (NP_478123.1, residues 16-36): SFPLSPAVRV[Lys26Arg]LVSAGFQTAE